The following is an entry in ClinVar:

ClinVar aggregate classification (germline): Uncertain significance (1 of 4 stars; one submission).

Conditions:
Fanconi anemia complementation group J. Also called: BRIP1-Related Fanconi Anemia. Identifiers: Orphanet 84, MedGen C1836860, MONDO:0012187, OMIM 609054.
Familial cancer of breast. Also called: BREAST CANCER, FAMILIAL; hereditary breast carcinoma; Hereditary breast cancer. Identifiers: Orphanet 227535, MedGen C0346153, MONDO:0016419, OMIM 114480. Disease mechanism: loss of function.

Submission:

Labcorp Genetics (formerly Invitae), Labcorp
Classification: Uncertain significance for Familial cancer of breast; Fanconi anemia complementation group J. Last evaluated: 2020-02-26. Review status: criteria provided, single submitter. Criteria: Invitae Variant Classification Sherloc (09022015). Collection method: clinical testing. Allele origin: germline.
Comment: This sequence change affects codon 700 of the BRIP1 mRNA. It is a 'silent' change, meaning that it does not change the encoded amino acid sequence of the BRIP1 protein. This variant is not present in population databases (ExAC no frequency). In summary, the available evidence is currently insufficient to determine the role of this variant in disease. Therefore, it has been classified as a Variant of Uncertain Significance. Algorithms developed to predict the effect of sequence changes on RNA splicing suggest that this variant is not likely to affect RNA splicing, but this prediction has not been confirmed by published transcriptional studies. This variant has not been reported in the literature in individuals with BRIP1-related conditions.

NM_032043.3(BRIP1):c.2098T>C (p.Leu700=)

Gene: BRIP1 (BRCA1 interacting DNA helicase 1; minus strand). Cytogenetic location: 17q23.2.
Variant type: single nucleotide variant.
Coding change: c.2098T>C on transcript NM_032043.3 (MANE Select); coding-DNA position 2098, T replaced by C.
Protein change: p.Leu700=; no amino-acid change (leucine 700 retained).
Molecular consequence: synonymous variant.
Genome position (GRCh38, 1-based): chr17:61,744,591, A>G on the plus strand (T>C on the coding strand, the complement: BRIP1 is on the minus strand). VCF-style: chr17-61744591-A-G. GRCh37 (hg19) VCF-style: chr17-59821952-A-G.
Identifiers: ClinVar variation 1023787 (VCV001023787.10), dbSNP rs2077034962, ClinGen allele CA501151394.
Genomic context (GRCh38, chr17:61,744,591, plus strand): 5'-CCAACTCCAGATTATGCCATAAACCAGTAGAGAGCCAACGTTCTTTTAATTTTTCTAATA[A>G]CTAAAGAGGGGAAAGAAAAAAATGATTTTTTGTGTGTCTAGCTAAACAAACTTAACTTCA-3'
Protein context (NP_114432.2, residues 690-710): GILCFLPSYK[Leu700=]LEKLKERWLS